The following is an entry in ClinVar:

ClinVar aggregate classification (germline): Conflicting classifications of pathogenicity. Review status: criteria provided, conflicting classifications (1 of 4 stars). 3 submissions from 3 submitters: Uncertain significance (2); Likely benign (1). Last evaluated 2026-01-17.

Conditions:
Blau syndrome (BLAUS). Also called: GRANULOMATOSIS, FAMILIAL JUVENILE SYSTEMIC; GRANULOMATOSIS, FAMILIAL, BLAU TYPE; GRANULOMATOUS INFLAMMATORY ARTHRITIS, DERMATITIS, AND UVEITIS, FAMILIAL; JABS SYNDROME; ARTHROCUTANEOUVEAL GRANULOMATOSIS. Identifiers: Orphanet 90340, MedGen C5201146, MONDO:0008523, OMIM 186580.
Regional enteritis. Also called: Enteritis, Granulomatous. Identifiers: MedGen C0678202, MeSH D003424.

Allele frequency attached by ClinVar (database versions not stated): gnomAD 0.00004 and 0.00005; TOPMed 0.00006; gnomAD exomes 0.00008 and 0.00017; ExAC 0.00017; 1000 Genomes Project 30x 0.00031; 1000 Genomes Project 0.00040.
gnomAD v4.1: 131 of 1,612,914 alleles (0.0081%); highest among the groups gnomAD compares: South Asian, 0.043%; no homozygotes.

Submissions (3):

Labcorp Genetics (formerly Invitae), Labcorp
Classification: Likely benign for Regional enteritis; Blau syndrome. Last evaluated: 2026-01-17. Review status: criteria provided, single submitter. Criteria: Invitae Variant Classification Sherloc (09022015). Collection method: clinical testing. Allele origin: germline.

Blueprint Genetics
Classification: Uncertain significance. Last evaluated: 2024-09-23. Review status: criteria provided, single submitter. Criteria: ACMG Guidelines, 2015. Collection method: clinical testing. Allele origin: germline.

ARUP Laboratories, Molecular Genetics and Genomics, ARUP Laboratories
Classification: Uncertain significance. Last evaluated: 2019-01-31. Review status: criteria provided, single submitter. Criteria: ARUP Molecular Germline Variant Investigation Process. Collection method: clinical testing. Allele origin: germline.
Comment: The NOD2 c.1621C>T; p.Arg541Trp variant (rs576658764), is reported in the literature in both tuberculosis-infected individuals and healthy controls (Zhao 2012). This variant is found in the South Asian population with an overall allele frequency of 0.06% (19/30598 alleles) in the Genome Aggregation Database. The arginine at codon 541 is weakly conserved, but computational analyses (SIFT, PolyPhen-2) predict that this variant is deleterious. Due to limited information, the clinical significance of the p.Arg541Trp variant is uncertain at this time. References: Zhao M et al. A novel single nucleotide polymorphism within the NOD2 gene is associated with pulmonary tuberculosis in the Chinese Han, Uygur and Kazak populations. BMC Infect Dis. 2012 Apr 14;12:91.

NM_001370466.1(NOD2):c.1540C>T (p.Arg514Trp)

Gene: NOD2 (nucleotide binding oligomerization domain containing 2; plus strand). Cytogenetic location: 16q12.1.
Variant type: single nucleotide variant.
Coding change: c.1540C>T on transcript NM_001370466.1 (MANE Select); coding-DNA position 1540, C replaced by T.
Protein change: p.Arg514Trp; replaces arginine 514 with tryptophan.
Molecular consequence: missense variant. On other transcripts: non-coding transcript variant (1).
Genome position (GRCh38, 1-based): chr16:50,711,532, C>T. VCF-style: chr16-50711532-C-T. GRCh37 (hg19) VCF-style: chr16-50745443-C-T.
Other names: c.1540C>T, p.Arg514Trp (NM_001293557.2); c.1621C>T, p.Arg541Trp (NM_022162.3); short protein forms R514W, R541W.
Identifiers: ClinVar variation 811661 (VCV000811661.19), dbSNP rs576658764, ClinGen allele CA8051593.